The following is an entry in ClinVar:

ClinVar aggregate classification (germline): Pathogenic (1 of 4 stars; one submission).

Conditions:
Niemann-Pick disease, type C1. Also called: NEUROVISCERAL STORAGE DISEASE WITH VERTICAL SUPRANUCLEAR OPHTHALMOPLEGIA; NIEMANN-PICK DISEASE WITH CHOLESTEROL ESTERIFICATION BLOCK; NIEMANN-PICK DISEASE WITHOUT SPHINGOMYELINASE DEFICIENCY; NIEMANN-PICK DISEASE, CHRONIC NEURONOPATHIC FORM; NIEMANN-PICK DISEASE, VARIANT TYPE C1. Identifiers: Orphanet 646, MedGen C3179455, MONDO:0009757, OMIM 257220.

Submission:

Labcorp Genetics (formerly Invitae), Labcorp
Classification: Pathogenic for Niemann-Pick disease, type C1. Last evaluated: 2023-03-27. Review status: criteria provided, single submitter. Criteria: Invitae Variant Classification Sherloc (09022015). Collection method: clinical testing. Allele origin: unknown.
Comment: For these reasons, this variant has been classified as Pathogenic. This variant has not been reported in the literature in individuals affected with NPC1-related conditions. This variant is a gross deletion of the genomic region encompassing exon(s) 5-9 of the NPC1 gene. This deletion is out-of-frame, and is expected to create a premature termination codon and result in an absent or disrupted protein product. Loss-of-function variants in NPC1 are known to be pathogenic (PMID: 9211850).

Literature cited by the submitters: PubMed 9211850.

NC_000018.9:g.(?_21132700)_(21141511_?)del

Gene: NPC1 (NPC intracellular cholesterol transporter 1; minus strand). Cytogenetic location: 18q11.2.
Variant type: Deletion.
Identifiers: ClinVar variation 3242766 (VCV003242766.1).